The following is an entry in ClinVar:

ClinVar aggregate classification (germline): Uncertain significance. Review status: criteria provided, multiple submitters, no conflicts (2 of 4 stars). 2 submissions from 2 submitters: Uncertain significance (2). Last evaluated 2025-11-14.

Conditions:
USP9X-related disorder. Also called: USP9X-related condition.

Allele frequency attached by ClinVar (database versions not stated): gnomAD exomes below 0.00001.
gnomAD v4.1: 3 of 1,211,181 alleles (0.00025%); highest among the groups gnomAD compares: East Asian, 0.003%; no homozygotes.

Submissions (2):

PreventionGenetics, part of Exact Sciences
Classification: Uncertain significance for USP9X-related condition. Last evaluated: 2025-11-14. Review status: criteria provided, single submitter. Criteria: ACMG Guidelines, 2015. Collection method: clinical testing. Allele origin: germline.
Comment: The USP9X c.3529G>A variant is predicted to result in the amino acid substitution p.Gly1177Ser. To our knowledge, this variant has not been reported in the literature. This variant was not reported in gnomAD v2. However, in gnomAD v4 (available only on GRCh38), this variant is reported in two heterozygous individuals and one hemizygous individual, calling its clinical significance into question. At this time, the clinical significance of this variant is uncertain due to the absence of conclusive functional and genetic evidence.

Revvity Omics, Revvity
Classification: Uncertain significance. Last evaluated: 2022-05-11. Review status: criteria provided, single submitter. Criteria: ACMG Guidelines, 2015. Collection method: clinical testing. Allele origin: germline.

NM_001039591.3(USP9X):c.3529G>A (p.Gly1177Ser)

Gene: USP9X (ubiquitin specific peptidase 9 X-linked; plus strand). Cytogenetic location: Xp11.4.
Variant type: single nucleotide variant.
Coding change: c.3529G>A on transcript NM_001039591.3 (MANE Select); coding-DNA position 3529, G replaced by A.
Protein change: p.Gly1177Ser; replaces glycine 1177 with serine.
Molecular consequence: missense variant.
Genome position (GRCh38, 1-based): chrX:41,184,646, G>A. VCF-style: chrX-41184646-G-A. GRCh37 (hg19) VCF-style: chrX-41043899-G-A.
Other names: c.3529G>A, p.Gly1177Ser (NM_001039590.3); c.3544G>A, p.Gly1182Ser (NM_001410748.1, NM_001410749.1); c.3529G>A (NM_001039590.2); short protein forms G1177S, G1182S.
Identifiers: ClinVar variation 2438500 (VCV002438500.4), dbSNP rs763319467, ClinGen allele CA10388720.